The following is an entry in ClinVar:

NM_177438.3(DICER1):c.3993A>C (p.Leu1331=)

Gene: DICER1 (dicer 1, ribonuclease III; minus strand). Cytogenetic location: 14q32.13.
Variant type: single nucleotide variant.
Coding change: c.3993A>C on transcript NM_177438.3 (MANE Select); coding-DNA position 3993, A replaced by C.
Protein change: p.Leu1331=; no amino-acid change (leucine 1331 retained).
Molecular consequence: synonymous variant. On other transcripts: non-coding transcript variant (6).
Genome position (GRCh38, 1-based): chr14:95,103,403, T>G on the plus strand (A>C on the coding strand, the complement: DICER1 is on the minus strand). VCF-style: chr14-95103403-T-G. GRCh37 (hg19) VCF-style: chr14-95569740-T-G.
Other names: c.3993A>C, p.Leu1331= (NM_001195573.1, NM_001271282.3, NM_001291628.2 and 13 more transcripts); c.3711A>C, p.Leu1237= (NM_001395686.1); c.3588A>C, p.Leu1196= (NM_001395687.1, NM_001395688.1, NM_001395689.1 and 2 more transcripts); c.3426A>C, p.Leu1142= (NM_001395691.1); c.2310A>C, p.Leu770= (NM_001395697.1).
Identifiers: ClinVar variation 1921093 (VCV001921093.6), dbSNP rs779318741, ClinGen allele CA487844251.

ClinVar aggregate classification (germline): Benign/Likely benign. Review status: criteria provided, multiple submitters, no conflicts (2 of 4 stars). 2 submissions from 2 submitters: Benign (1); Likely benign (1). Last evaluated 2026-08-19.

Conditions:
DICER1-related tumor predisposition. Also called: DICER1-related pleuropulmonary blastoma cancer predisposition syndrome; DICER1 syndrome. Identifiers: Orphanet 284343, MedGen C3839822, MONDO:0100216.

gnomAD v4.1: 1 of 1,614,134 alleles (0.000062%); highest among the groups gnomAD compares: South Asian, 0.0011%; no homozygotes.

Submissions (2):

Myriad Genetics, Inc.
Classification: Benign for DICER1-related tumor predisposition. Last evaluated: 2026-08-19. Review status: criteria provided, single submitter. Criteria: Myriad Autosomal Dominant, Autosomal Recessive and X-Linked Classification Criteria (2023). Collection method: clinical testing. Allele origin: unknown.
Comment: This variant is considered benign. This variant is a silent/synonymous amino acid change and it is not expected to impact splicing.

Labcorp Genetics (formerly Invitae), Labcorp
Classification: Likely benign for DICER1-related tumor predisposition. Last evaluated: 2022-02-01. Review status: criteria provided, single submitter. Criteria: Invitae Variant Classification Sherloc (09022015). Collection method: clinical testing. Allele origin: germline.